The following is an entry in ClinVar:

ClinVar aggregate classification (germline): Uncertain significance (1 of 4 stars; one submission).

Submission:

GeneDx
Classification: Uncertain significance. Last evaluated: 2026-01-26. Review status: criteria provided, single submitter. Criteria: GeneDx Variant Classification Process June 2021. Collection method: clinical testing. Allele origin: germline.
Comment: Not observed at significant frequency in large population cohorts (gnomAD); In silico analysis suggests that this missense variant does not alter protein structure/function; Has not been previously published as pathogenic or benign to our knowledge

NM_006372.5(SYNCRIP):c.1598G>C (p.Arg533Thr)

Gene: SYNCRIP (synaptotagmin binding cytoplasmic RNA interacting protein; minus strand). Cytogenetic location: 6q14.3.
Variant type: single nucleotide variant.
Coding change: c.1598G>C on transcript NM_006372.5 (MANE Select); coding-DNA position 1598, G replaced by C.
Protein change: p.Arg533Thr; replaces arginine 533 with threonine.
Molecular consequence: missense variant.
Genome position (GRCh38, 1-based): chr6:85,615,030, C>G on the plus strand (G>C on the coding strand, the complement: SYNCRIP is on the minus strand). VCF-style: chr6-85615030-C-G. GRCh37 (hg19) VCF-style: chr6-86324748-C-G.
Other names: c.1304G>C, p.Arg435Thr (NM_001159673.2, NM_001410938.1, NM_001439159.1); c.1493G>C, p.Arg498Thr (NM_001159674.2, NM_001159675.2); c.1598G>C, p.Arg533Thr (NM_001159676.2, NM_001159677.2, NM_001439158.1 and 3 more transcripts); c.1142G>C, p.Arg381Thr (NM_001253771.2); short protein forms R381T, R435T, R498T, R533T.
Identifiers: ClinVar variation 4975647 (VCV004975647.1).